The following is an entry in ClinVar:

NM_001042517.2(DIAPH3):c.3142C>T (p.Arg1048Cys)

Gene: DIAPH3 (diaphanous related formin 3; minus strand). Cytogenetic location: 13q21.2.
Variant type: single nucleotide variant.
Coding change: c.3142C>T on transcript NM_001042517.2 (MANE Select); coding-DNA position 3142, C replaced by T.
Protein change: p.Arg1048Cys; replaces arginine 1048 with cysteine.
Molecular consequence: missense variant.
Genome position (GRCh38, 1-based): chr13:59,810,809, G>A on the plus strand (C>T on the coding strand, the complement: DIAPH3 is on the minus strand). VCF-style: chr13-59810809-G-A. GRCh37 (hg19) VCF-style: chr13-60384943-G-A.
Other names: c.3109C>T, p.Arg1037Cys (NM_001258366.2); c.3004C>T, p.Arg1002Cys (NM_001258367.2); c.2932C>T, p.Arg978Cys (NM_001258368.2); c.3142C>T, p.Arg1048Cys (NM_001258369.2); c.2353C>T, p.Arg785Cys (NM_030932.4); short protein forms R1002C, R1037C, R1048C, R785C, R978C.
Identifiers: ClinVar variation 2440786 (VCV002440786.6), dbSNP rs200684775, ClinGen allele CA6996155.
Genomic context (GRCh38, chr13:59,810,809, plus strand): 5'-AGTATACATAGAATAAATAACAAATTTGATAGTACTCACCAGTCTTCATTTCTAATAAAC[G>A]CTTTTTCTTTTGTTGGCGTTCGAGTCTTTCTCGCTCTGCTAATTCTTTAGCTATTCTGAC-3'
Protein context (NP_001035982.1, residues 1038-1058): ERLERQQKKK[Arg1048Cys]LLEMKTEGDE

ClinVar aggregate classification (germline): Uncertain significance. Review status: criteria provided, multiple submitters, no conflicts (2 of 4 stars). 2 submissions from 2 submitters: Uncertain significance (2). Last evaluated 2025-05-13.

Conditions:
Autosomal dominant auditory neuropathy 1. Also called: AUDITORY NEUROPATHY, NONSYNDROMIC DOMINANT. Identifiers: Orphanet 90635, MedGen C1836743, MONDO:0012196, OMIM 609129.

Allele frequency attached by ClinVar (database versions not stated): gnomAD 0.00019; ESP Exome Variant Server 0.00017; 1000 Genomes Project 30x 0.00031; TOPMed 0.00019; 1000 Genomes Project 0.00020.
gnomAD v4.1: 81 of 1,613,348 alleles (0.005%); highest among the groups gnomAD compares: Middle Eastern, 0.099%; no homozygotes.

Submissions (2):

Labcorp Genetics (formerly Invitae), Labcorp
Classification: Uncertain significance. Last evaluated: 2025-05-13. Review status: criteria provided, single submitter. Criteria: Invitae Variant Classification Sherloc (09022015). Collection method: clinical testing. Allele origin: germline.
Comment: This sequence change replaces arginine, which is basic and polar, with cysteine, which is neutral and slightly polar, at codon 1048 of the DIAPH3 protein (p.Arg1048Cys). This variant is present in population databases (rs200684775, gnomAD 0.05%). This variant has not been reported in the literature in individuals affected with DIAPH3-related conditions. ClinVar contains an entry for this variant (Variation ID: 2440786). An algorithm developed to predict the effect of missense changes on protein structure and function (PolyPhen-2) suggests that this variant is likely to be tolerated. In summary, the available evidence is currently insufficient to determine the role of this variant in disease. Therefore, it has been classified as a Variant of Uncertain Significance.

Revvity Omics, Revvity
Classification: Uncertain significance for Autosomal dominant auditory neuropathy 1. Last evaluated: 2019-02-07. Review status: criteria provided, single submitter. Criteria: ACMG Guidelines, 2015. Collection method: clinical testing. Allele origin: germline.